The following is an entry in ClinVar:

NM_020533.3(MCOLN1):c.142_146del (p.Phe48fs)

Gene: MCOLN1 (mucolipin TRP cation channel 1; plus strand). Cytogenetic location: 19p13.2.
Variant type: Deletion.
Coding change: c.142_146del on transcript NM_020533.3 (MANE Select); coding-DNA positions 142 to 146, 5 bases deleted (TTTTT; older notation c.142_146delTTTTT).
Protein change: p.Phe48fs; shifts the reading frame from phenylalanine 48.
Molecular consequence: frameshift variant.
Genome position (GRCh38, 1-based): chr19:7,525,071-7,525,075, TTTTT deleted. VCF-style (leftmost placement, unchanged base first): chr19-7525070-CTTTTT-C. GRCh37 (hg19) VCF-style: chr19-7589956-CTTTTT-C.
Other names: short protein forms F48fs.
Identifiers: ClinVar variation 5012445 (VCV005012445.1).

ClinVar aggregate classification (germline): Pathogenic (1 of 4 stars; one submission).

Conditions:
Mucolipidosis type IV (ML4). Also called: ML IV. Identifiers: Orphanet 578, MedGen C0238286, MONDO:0009653, OMIM 252650.

Submission:

Myriad Genetics, Inc.
Classification: Pathogenic for Mucolipidosis type IV. Last evaluated: 2023-10-30. Review status: criteria provided, single submitter. Criteria: Myriad Autosomal Dominant, Autosomal Recessive and X-Linked Classification Criteria (2023). Collection method: clinical testing. Allele origin: unknown.
Comment: NM_020533.2(MCOLN1):c.142_146del5(F48Hfs*38) is expected to be pathogenic in the context of mucolipidosis IV. This variant is predicted to lead to an abnormal or absent protein product due to the creation of a premature termination codon in MCOLN1, a gene where loss-of-function variants are known to be pathogenic. Please note: this variant was assessed in the context of healthy population screening.